The following is an entry in ClinVar:

ClinVar aggregate classification (germline): Uncertain significance (1 of 4 stars; one submission).

Conditions:
Werner syndrome (WRN). Identifiers: Orphanet 902, MedGen C0043119, MONDO:0010196, OMIM 277700.

Allele frequency attached by ClinVar (database versions not stated): gnomAD exomes below 0.00001; TOPMed below 0.00001; gnomAD 0.00001.
gnomAD v4.1: 2 of 1,612,402 alleles (0.00012%); highest among the groups gnomAD compares: Admixed American, 0.0017%; no homozygotes.

Submission:

Labcorp Genetics (formerly Invitae), Labcorp
Classification: Uncertain significance for Werner syndrome. Last evaluated: 2016-07-10. Review status: criteria provided, single submitter. Criteria: Invitae Variant Classification Sherloc (09022015). Collection method: clinical testing. Allele origin: germline.
Comment: This sequence change replaces leucine with phenylalanine at codon 476 of the WRN protein (p.Leu476Phe). The leucine residue is weakly conserved and there is a small physicochemical difference between leucine and phenylalanine. This variant is not present in population databases (ExAC no frequency) and has not been reported in the literature in individuals with a WRN-related disease. Algorithms developed to predict the effect of missense changes on protein structure and function do not agree on the potential impact of this missense change (SIFT: "Tolerated"; PolyPhen-2: "Probably Damaging"; Align-GVGD: "Class 0"). In summary, this variant is a novel missense change with uncertain impact on protein function. It has been classified as a Variant of Uncertain Significance.

NM_000553.6(WRN):c.1426C>T (p.Leu476Phe)

Gene: WRN (WRN RecQ like helicase; plus strand). Cytogenetic location: 8p12.
Variant type: single nucleotide variant.
Coding change: c.1426C>T on transcript NM_000553.6 (MANE Select); coding-DNA position 1426, C replaced by T.
Protein change: p.Leu476Phe; replaces leucine 476 with phenylalanine.
Molecular consequence: missense variant.
Genome position (GRCh38, 1-based): chr8:31,085,241, C>T. VCF-style: chr8-31085241-C-T. GRCh37 (hg19) VCF-style: chr8-30942757-C-T.
Other names: short protein forms L476F.
Identifiers: ClinVar variation 404038 (VCV000404038.3), dbSNP rs1060500073, ClinGen allele CA16612425.
Genomic context (GRCh38, chr8:31,085,241, plus strand): 5'-GATAATGAAAACGATACGTCCTATGTAATTGAGAGTGATGAAGATTTAGAAATGGAGATG[C>T]TTAAGGTATGTTTACAATTATAAAAACATTACTTCAAGTTCTTTCCAAAGGACATTTAAT-3'
Protein context (NP_000544.2, residues 466-486): ESDEDLEMEM[Leu476Phe]KSLENLNSGT